The following is an entry in ClinVar:

ClinVar aggregate classification (germline): Pathogenic (1 of 4 stars; one submission).

Conditions:
Bainbridge-Ropers syndrome. Also called: Severe feeding difficulties-failure to thrive-microcephaly due to ASXL3 deficiency syndrome. Identifiers: Orphanet 352577, MedGen C4750837, MONDO:0014205, OMIM 615485.

Submission:

Baylor Genetics
Classification: Pathogenic for Bainbridge-Ropers syndrome. Last evaluated: 2018-08-08. Review status: criteria provided, single submitter. Criteria: ACMG Guidelines, 2015. Collection method: clinical testing. Allele origin: unknown. Affected: yes.
Comment: This variant was determined to be pathogenic according to ACMG Guidelines, 2015 [PMID:25741868].

NM_030632.3(ASXL3):c.3049del (p.Ser1017fs)

Gene: ASXL3 (ASXL transcriptional regulator 3; plus strand). Cytogenetic location: 18q12.1.
Variant type: Deletion.
Coding change: c.3049del on transcript NM_030632.3 (MANE Select); coding-DNA position 3049, one base deleted (T; older notation c.3049delT).
Protein change: p.Ser1017fs; shifts the reading frame from serine 1017.
Molecular consequence: frameshift variant.
Genome position (GRCh38, 1-based): chr18:33,742,897, T deleted; the last of 3 consecutive T bases (chr18:33,742,895-33,742,897); deleting any one gives the same sequence. VCF-style (leftmost placement, unchanged base first): chr18-33742894-CT-C. GRCh37 (hg19) VCF-style: chr18-31322858-CT-C.
Other names: short protein forms S1017fs.
Identifiers: ClinVar variation 1031442 (VCV001031442.1), dbSNP rs2067688726, ClinGen allele CA2294857480.